The following is an entry in ClinVar:

ClinVar aggregate classification (germline): Uncertain significance (1 of 4 stars; one submission).

Conditions:
Left ventricular noncompaction 1 (LVNC1). Also called: LEFT VENTRICULAR NONCOMPACTION 1 WITH OR WITHOUT CONGENITAL HEART DEFECTS. Identifiers: Orphanet 54260, MedGen C1858725, MONDO:0011403, OMIM 604169.

Submission:

Labcorp Genetics (formerly Invitae), Labcorp
Classification: Uncertain significance for Left ventricular noncompaction 1. Last evaluated: 2022-11-03. Review status: criteria provided, single submitter. Criteria: Invitae Variant Classification Sherloc (09022015). Collection method: clinical testing. Allele origin: germline.
Comment: This sequence change replaces phenylalanine, which is neutral and non-polar, with cysteine, which is neutral and slightly polar, at codon 187 of the DTNA protein (p.Phe187Cys). This variant is not present in population databases (gnomAD no frequency). This variant has not been reported in the literature in individuals affected with DTNA-related conditions. Advanced modeling of protein sequence and biophysical properties (such as structural, functional, and spatial information, amino acid conservation, physicochemical variation, residue mobility, and thermodynamic stability) has been performed at Invitae for this missense variant, however the output from this modeling did not meet the statistical confidence thresholds required to predict the impact of this variant on DTNA protein function. In summary, the available evidence is currently insufficient to determine the role of this variant in disease. Therefore, it has been classified as a Variant of Uncertain Significance.

NM_001386795.1(DTNA):c.560T>G (p.Phe187Cys)

Gene: DTNA (dystrobrevin alpha; plus strand). Cytogenetic location: 18q12.1.
Variant type: single nucleotide variant.
Coding change: c.560T>G on transcript NM_001386795.1 (MANE Select); coding-DNA position 560, T replaced by G.
Protein change: p.Phe187Cys; replaces phenylalanine 187 with cysteine.
Molecular consequence: missense variant.
Genome position (GRCh38, 1-based): chr18:34,812,070, T>G. VCF-style: chr18-34812070-T-G. GRCh37 (hg19) VCF-style: chr18-32392034-T-G.
Other names: c.560T>G, p.Phe187Cys (NM_001386769.1, NM_001386770.1, NM_001386771.1 and 35 more transcripts); short protein forms F187C.
Identifiers: ClinVar variation 2979447 (VCV002979447.3), dbSNP rs2517761745, ClinGen allele CA402276078.